The following is an entry in ClinVar:

ClinVar aggregate classification (germline): Uncertain significance (1 of 4 stars; one submission).

Conditions:
Familial cancer of breast. Also called: hereditary breast carcinoma; Hereditary breast cancer; BREAST CANCER, FAMILIAL. Identifiers: Orphanet 227535, MedGen C0346153, MONDO:0016419, OMIM 114480. Disease mechanism: loss of function.

Submission:

Labcorp Genetics (formerly Invitae), Labcorp
Classification: Uncertain significance for Familial cancer of breast. Last evaluated: 2023-08-03. Review status: criteria provided, single submitter. Criteria: Invitae Variant Classification Sherloc (09022015). Collection method: clinical testing. Allele origin: germline.
Comment: In summary, the available evidence is currently insufficient to determine the role of this variant in disease. Therefore, it has been classified as a Variant of Uncertain Significance. An algorithm developed to predict the effect of missense changes on protein structure and function (PolyPhen-2) suggests that this variant is likely to be tolerated. This variant has not been reported in the literature in individuals affected with BARD1-related conditions. This variant is not present in population databases (gnomAD no frequency). This sequence change replaces isoleucine, which is neutral and non-polar, with leucine, which is neutral and non-polar, at codon 437 of the BARD1 protein (p.Ile437Leu).

NM_000465.4(BARD1):c.1309A>C (p.Ile437Leu)

Gene: BARD1 (BRCA1 associated RING domain 1; minus strand). Cytogenetic location: 2q35.
Variant type: single nucleotide variant.
Coding change: c.1309A>C on transcript NM_000465.4 (MANE Select); coding-DNA position 1309, A replaced by C.
Protein change: p.Ile437Leu; replaces isoleucine 437 with leucine.
Molecular consequence: missense variant. On other transcripts: non-coding transcript variant (2), intron variant (3).
Genome position (GRCh38, 1-based): chr2:214,780,565, T>G on the plus strand (A>C on the coding strand, the complement: BARD1 is on the minus strand). VCF-style: chr2-214780565-T-G. GRCh37 (hg19) VCF-style: chr2-215645289-T-G.
Other names: c.1252A>C, p.Ile418Leu (NM_001282543.2); c.159-28010A>C (NM_001282548.2); c.215+16496A>C (NM_001282545.2); c.364+11732A>C (NM_001282549.2); short protein forms I418L, I437L.
Identifiers: ClinVar variation 2868041 (VCV002868041.3), dbSNP rs764592698, ClinGen allele CA350453203.